The following is an entry in ClinVar:

ClinVar aggregate classification (germline): Conflicting classifications of pathogenicity. Review status: criteria provided, conflicting classifications (1 of 4 stars). 7 submissions from 7 submitters: Uncertain significance (5); Likely benign (2). Last evaluated 2026-09-21.

Conditions:
Cardiovascular phenotype. Identifiers: MedGen CN230736.
Catecholaminergic polymorphic ventricular tachycardia 1. Also called: RYR2-Related Catecholaminergic Polymorphic Ventricular Tachycardia; VENTRICULAR TACHYCARDIA, STRESS-INDUCED POLYMORPHIC 1; VENTRICULAR TACHYCARDIA, CATECHOLAMINERGIC POLYMORPHIC, 1, WITH OR WITHOUT ATRIAL DYSFUNCTION AND/OR DILATED CARDIOMYOPATHY. Identifiers: Orphanet 3286, MedGen C1631597, MONDO:0011484, OMIM 604772.
Catecholaminergic polymorphic ventricular tachycardia (CVPT). Also called: Catecholamine-induced polymorphic ventricular tachycardia. Identifiers: Orphanet 3286, MedGen C5574922, MONDO:0017990.
Cardiomyopathy (CMYO). Also called: Cardiomyopathies. Identifiers: Orphanet 167848, MedGen C0878544, MONDO:0004994, HP:0001638. Inheritance: Various modes of inheritance.

Allele frequency attached by ClinVar (database versions not stated): ESP Exome Variant Server 0.00016; gnomAD 0.00003; TOPMed 0.00006.
gnomAD v4.1: 16 of 1,613,824 alleles (0.00099%); highest among the groups gnomAD compares: African/African-American, 0.011%; no homozygotes.

Submissions (7):

Molecular Diagnostic Laboratory for Inherited Cardiovascular Disease, Montreal Heart Institute
Classification: Uncertain significance for Cardiovascular phenotype. Last evaluated: 2026-09-21. Review status: criteria provided, single submitter. Criteria: ACMG Guidelines, 2015. Collection method: clinical testing. Allele origin: germline. Affected: yes.
Comment: PP2

GeneDx
Classification: Uncertain significance. Last evaluated: 2026-01-05. Review status: criteria provided, single submitter. Criteria: GeneDx Variant Classification Process June 2021. Collection method: clinical testing. Allele origin: germline. Affected: yes.
Comment: Has not been previously published as pathogenic or benign in association with a RYR2-related disorder to our knowledge; In silico analysis supports that this missense variant has a deleterious effect on protein structure/function; Not located in one of the three hot-spot regions of the RYR2 gene, where the majority of pathogenic missense variants occur (PMID: 19926015); This variant is associated with the following publications: (PMID: 28404607)

Labcorp Genetics (formerly Invitae), Labcorp
Classification: Likely benign for Catecholaminergic polymorphic ventricular tachycardia 1. Last evaluated: 2025-12-28. Review status: criteria provided, single submitter. Criteria: Invitae Variant Classification Sherloc (09022015). Collection method: clinical testing. Allele origin: germline.

Color Diagnostics, LLC DBA Color Health
Classification: Likely benign for Cardiomyopathy. Last evaluated: 2025-09-22. Review status: criteria provided, single submitter. Criteria: ACMG Guidelines, 2015. Collection method: clinical testing. Allele origin: germline.

Ambry Genetics
Classification: Uncertain significance for Cardiovascular phenotype. Last evaluated: 2024-04-26. Review status: criteria provided, single submitter. Criteria: Ambry Variant Classification Scheme 2023. Collection method: clinical testing. Allele origin: germline.
Comment: The p.G1121R variant (also known as c.3361G>C), located in coding exon 28 of the RYR2 gene, results from a G to C substitution at nucleotide position 3361. The glycine at codon 1121 is replaced by arginine, an amino acid with dissimilar properties. This amino acid position is well conserved in available vertebrate species. In addition, this alteration is predicted to be deleterious by in silico analysis. Based on the available evidence, the clinical significance of this variant remains unclear.

All of Us Research Program, National Institutes of Health
Classification: Uncertain significance for Catecholaminergic polymorphic ventricular tachycardia. Last evaluated: 2023-11-20. Review status: criteria provided, single submitter. Criteria: ACMG Guidelines, 2015. Collection method: clinical testing. Allele origin: germline. Inheritance: Autosomal dominant inheritance. Observed: 4 variant alleles, 4 heterozygotes.
Comment: This missense variant replaces glycine with arginine at codon 1121 of the RYR2 protein. Computational prediction tools and conservation analyses are inconclusive regarding the impact of this variant on the protein function. Computational splicing tools suggest that this variant may not impact RNA splicing. To our knowledge, functional assays have not been performed for this variant nor has this variant been reported in individuals affected with cardiovascular disorders in the literature. This variant has been identified in 6/280628 chromosomes in the general population by the Genome Aggregation Database (gnomAD). Available evidence is insufficient to determine the role of this variant in disease conclusively. Therefore, this variant is classified as a Variant of Uncertain Significance.

This study involves interpretation of variants in research participants for the purpose of population health screening. Participant phenotype was not available at the time of variant classification. Additional details can be found in publication PMID: 35346344, PMCID: PMC8962531

Mayo Clinic Laboratories, Mayo Clinic
Classification: Uncertain significance. Last evaluated: 2021-06-30. Review status: criteria provided, single submitter. Criteria: ACMG Guidelines, 2015. Collection method: clinical testing. Allele origin: germline.

Literature cited by the submitters: PubMed 28404607 (cited by Ambry Genetics).

NM_001035.3(RYR2):c.3361G>C (p.Gly1121Arg)

Gene: RYR2 (ryanodine receptor 2; plus strand). Cytogenetic location: 1q43.
Variant type: single nucleotide variant.
Coding change: c.3361G>C on transcript NM_001035.3 (MANE Select); coding-DNA position 3361, G replaced by C.
Protein change: p.Gly1121Arg; replaces glycine 1121 with arginine.
Molecular consequence: missense variant.
Genome position (GRCh38, 1-based): chr1:237,566,713, G>C. VCF-style: chr1-237566713-G-C. GRCh37 (hg19) VCF-style: chr1-237730013-G-C.
Other names: p.Gly1121Arg; c.3361G>C, p.Gly1121Arg (LRG_402t1); short protein forms G1121R.
Identifiers: ClinVar variation 393146 (VCV000393146.59), dbSNP rs199682282, ClinGen allele CA086357.